The following is an entry in ClinVar:

ClinVar aggregate classification (germline): Uncertain significance. Review status: criteria provided, multiple submitters, no conflicts (2 of 4 stars). 2 submissions from 2 submitters: Uncertain significance (2). Last evaluated 2023-11-27.

Conditions:
Diffuse cerebral and cerebellar atrophy - intractable seizures - progressive microcephaly syndrome. Also called: Microcephaly, progressive, with seizures and cerebral and cerebellar atrophy. Identifiers: Orphanet 404437, MedGen C4014239, MONDO:0014335, OMIM 615760.

Allele frequency attached by ClinVar (database versions not stated): ExAC 0.00001; gnomAD exomes 0.00001 and 0.00003; TOPMed 0.00001.
gnomAD v4.1: 9 of 1,614,260 alleles (0.00056%); highest among the groups gnomAD compares: Admixed American, 0.01%; no homozygotes.

Submissions (2):

Labcorp Genetics (formerly Invitae), Labcorp
Classification: Uncertain significance for Diffuse cerebral and cerebellar atrophy - intractable seizures - progressive microcephaly syndrome. Last evaluated: 2023-11-27. Review status: criteria provided, single submitter. Criteria: Invitae Variant Classification Sherloc (09022015). Collection method: clinical testing. Allele origin: germline.
Comment: This sequence change replaces glycine, which is neutral and non-polar, with valine, which is neutral and non-polar, at codon 362 of the QARS protein (p.Gly362Val). This variant is present in population databases (rs763512186, gnomAD 0.02%). This variant has not been reported in the literature in individuals affected with QARS-related conditions. ClinVar contains an entry for this variant (Variation ID: 1426900). Algorithms developed to predict the effect of missense changes on protein structure and function output the following: SIFT: "Not Available"; PolyPhen-2: "Benign"; Align-GVGD: "Not Available". The valine amino acid residue is found in multiple mammalian species, which suggests that this missense change does not adversely affect protein function. In summary, the available evidence is currently insufficient to determine the role of this variant in disease. Therefore, it has been classified as a Variant of Uncertain Significance.

GeneDx
Classification: Uncertain significance. Last evaluated: 2022-06-12. Review status: criteria provided, single submitter. Criteria: GeneDx Variant Classification Process June 2021. Collection method: clinical testing. Allele origin: germline. Affected: yes.
Comment: In silico analysis supports that this missense variant does not alter protein structure/function; Has not been previously published as pathogenic or benign to our knowledge; This variant is associated with the following publications: (PMID: 25471517)

NM_005051.3(QARS1):c.1085G>T (p.Gly362Val)

Gene: QARS1 (glutaminyl-tRNA synthetase 1; minus strand). Cytogenetic location: 3p21.31.
Variant type: single nucleotide variant.
Coding change: c.1085G>T on transcript NM_005051.3 (MANE Select); coding-DNA position 1085, G replaced by T.
Protein change: p.Gly362Val; replaces glycine 362 with valine.
Molecular consequence: missense variant. On other transcripts: non-coding transcript variant (1).
Genome position (GRCh38, 1-based): chr3:49,100,269, C>A on the plus strand (G>T on the coding strand, the complement: QARS1 is on the minus strand). VCF-style: chr3-49100269-C-A. GRCh37 (hg19) VCF-style: chr3-49137702-C-A.
Other names: c.1052G>T, p.Gly351Val (NM_001272073.2); short protein forms G351V, G362V.
Identifiers: ClinVar variation 1426900 (VCV001426900.7), dbSNP rs763512186, ClinGen allele CA2391882.